The following is an entry in ClinVar:

NM_005956.4(MTHFD1):c.2288C>T (p.Thr763Ile)

Genes: MTHFD1 (methylenetetrahydrofolate dehydrogenase, cyclohydrolase and formyltetrahydrofolate synthetase 1; plus strand), ZBTB25 (zinc finger and BTB domain containing 25; minus strand). Cytogenetic location: 14q23.3.
Variant type: single nucleotide variant.
Coding change: c.2288C>T on transcript NM_005956.4 (MANE Select); coding-DNA position 2288, C replaced by T.
Protein change: p.Thr763Ile; replaces threonine 763 with isoleucine.
Molecular consequence: missense variant. On other transcripts: 3 prime UTR variant (1).
Genome position (GRCh38, 1-based): chr14:64,449,453, C>T. VCF-style: chr14-64449453-C-T. GRCh37 (hg19) VCF-style: chr14-64916171-C-T.
Other names: c.2288C>T, p.Thr763Ile (NM_001364837.1); c.*98G>A (NM_001304508.1); short protein forms T763I.
Identifiers: ClinVar variation 2989879 (VCV002989879.4), dbSNP rs369285610, ClinGen allele CA7226567.

ClinVar aggregate classification (germline): Uncertain significance. Review status: criteria provided, multiple submitters, no conflicts (2 of 4 stars). 2 submissions from 2 submitters: Uncertain significance (2). Last evaluated 2023-03-17.

Allele frequency attached by ClinVar (database versions not stated): gnomAD 0.00001; ExAC 0.00002; TOPMed 0.00004; ESP Exome Variant Server 0.00008.
gnomAD v4.1: 5 of 1,613,310 alleles (0.00031%); highest among the groups gnomAD compares: African/African-American, 0.0053%; no homozygotes.

Submissions (2):

Blueprint Genetics
Classification: Uncertain significance. Last evaluated: 2023-03-17. Review status: criteria provided, single submitter. Criteria: ACMG Guidelines, 2015. Collection method: clinical testing. Allele origin: germline.

Labcorp Genetics (formerly Invitae), Labcorp
Classification: Uncertain significance. Last evaluated: 2022-11-08. Review status: criteria provided, single submitter. Criteria: Invitae Variant Classification Sherloc (09022015). Collection method: clinical testing. Allele origin: germline.
Comment: This variant has not been reported in the literature in individuals affected with MTHFD1-related conditions. Advanced modeling of protein sequence and biophysical properties (such as structural, functional, and spatial information, amino acid conservation, physicochemical variation, residue mobility, and thermodynamic stability) performed at Invitae indicates that this missense variant is expected to disrupt MTHFD1 protein function. In summary, the available evidence is currently insufficient to determine the role of this variant in disease. Therefore, it has been classified as a Variant of Uncertain Significance. This sequence change replaces threonine, which is neutral and polar, with isoleucine, which is neutral and non-polar, at codon 763 of the MTHFD1 protein (p.Thr763Ile). This variant is present in population databases (rs369285610, gnomAD 0.007%).